The following is an entry in ClinVar:

ClinVar aggregate classification (germline): Benign (0 of 4 stars; one submission).

Conditions:
BEST1-related disorder. Also called: BEST1-related disorders; BEST1-related condition. Identifiers: MedGen CN239200.

Submission:

PreventionGenetics, part of Exact Sciences
Classification: Benign for BEST1-related condition. Last evaluated: 2019-05-10. Review status: no assertion criteria provided. Collection method: clinical testing. Allele origin: germline.
Comment: This variant is classified as benign based on ACMG/AMP sequence variant interpretation guidelines (Richards et al. 2015 PMID: 25741868, with internal and published modifications).

NM_004183.4(BEST1):c.153-22CCACCC[4]

Gene: BEST1 (bestrophin 1; plus strand). Cytogenetic location: 11q12.3.
Variant type: Microsatellite.
Coding change: c.153-22CCACCC[4] on transcript NM_004183.4 (MANE Select); four copies in a row of the 6-base unit CCACCC starting at c.153-22.
Molecular consequence: splice acceptor variant.
Genome position: GRCh38 VCF-style: chr11-61955084-T-TCCACCC. GRCh37 (hg19) VCF-style: chr11-61722556-T-TCCACCC.
Other names: c.153-22CCACCC[4] (NM_001363592.2, NM_001440571.1, NM_001440572.1 and 1 more transcripts); c.-28-22CCACCC[4] (NM_001139443.3, NM_001300787.2, NM_001440574.1 and 3 more transcripts).
Identifiers: ClinVar variation 3041762 (VCV003041762.2), dbSNP rs398124110, ClinGen allele CA2574845831.
Genomic context (GRCh38, chr11:61,955,084, plus strand): 5'-CCCAGGGCCGGGCTAGACCTGGGGACAGTCTCAGCCATCTCCTCGCTGCGTCCACACAAT[T>TCCACCC]CCACCCCCACCCCCACCCCCAGGCTGGCCCTCACGGAAGAACAACAGCTGATGTTTGAGA-3'